The following is an entry in ClinVar:

ClinVar aggregate classification (germline): Uncertain significance (1 of 4 stars; one submission).

Conditions:
Myopathy, centronuclear, 2 (CNM2). Also called: MYOTUBULAR MYOPATHY, AUTOSOMAL RECESSIVE. Identifiers: Orphanet 169186, MedGen CN031787, MONDO:0009709, OMIM 255200.

Allele frequency attached by ClinVar (database versions not stated): gnomAD 0.00005; gnomAD exomes 0.00005 and 0.00008; TOPMed 0.00005; ExAC 0.00003; ESP Exome Variant Server 0.00008.
gnomAD v4.1: 117 of 1,613,404 alleles (0.0073%); highest among the groups gnomAD compares: Middle Eastern, 0.016%; no homozygotes.

Submission:

Labcorp Genetics (formerly Invitae), Labcorp
Classification: Uncertain significance for Myopathy, centronuclear, 2. Last evaluated: 2025-10-16. Review status: criteria provided, single submitter. Criteria: Invitae Variant Classification Sherloc (09022015). Collection method: clinical testing. Allele origin: germline.
Comment: This sequence change replaces alanine, which is neutral and non-polar, with valine, which is neutral and non-polar, at codon 481 of the BIN1 protein (p.Ala481Val). This variant is present in population databases (rs140410496, gnomAD 0.009%). This variant has not been reported in the literature in individuals affected with BIN1-related conditions. ClinVar contains an entry for this variant (Variation ID: 461706). An algorithm developed to predict the effect of missense changes on protein structure and function (PolyPhen-2) suggests that this variant is likely to be tolerated. In summary, the available evidence is currently insufficient to determine the role of this variant in disease. Therefore, it has been classified as a Variant of Uncertain Significance.

NM_139343.3(BIN1):c.1442C>T (p.Ala481Val)

Gene: BIN1 (bridging integrator 1; minus strand). Cytogenetic location: 2q14.3.
Variant type: single nucleotide variant.
Coding change: c.1442C>T on transcript NM_139343.3 (MANE Select); coding-DNA position 1442, C replaced by T.
Protein change: p.Ala481Val; replaces alanine 481 with valine.
Molecular consequence: missense variant. On other transcripts: intron variant (3).
Genome position (GRCh38, 1-based): chr2:127,051,173, G>A on the plus strand (C>T on the coding strand, the complement: BIN1 is on the minus strand). VCF-style: chr2-127051173-G-A. GRCh37 (hg19) VCF-style: chr2-127808749-G-A.
Other names: c.1073C>T, p.Ala358Val (NM_001320633.2); c.1202C>T, p.Ala401Val (NM_001320640.2); c.1349C>T, p.Ala450Val (NM_001320641.2); c.1361C>T, p.Ala454Val (NM_001320642.1); c.1025C>T, p.Ala342Val (NM_004305.4); c.1313C>T, p.Ala438Val (NM_139344.3); c.1181C>T, p.Ala394Val (NM_139345.3); c.1154C>T, p.Ala385Val (NM_139346.3); and 7 more; short protein forms A481V, A370V, A394V, A406V, A385V, A450V, A363V, A438V.
Identifiers: ClinVar variation 461706 (VCV000461706.11), dbSNP rs140410496, ClinGen allele CA1857053.